The following is an entry in ClinVar:

NM_144997.7(FLCN):c.618+7T>G

Gene: FLCN (folliculin; minus strand). Cytogenetic location: 17p11.2.
Variant type: single nucleotide variant.
Coding change: c.618+7T>G on transcript NM_144997.7 (MANE Select); 7 bases into the intron after coding-DNA position 618, T replaced by G.
Molecular consequence: intron variant.
Genome position (GRCh38, 1-based): chr17:17,223,915, A>C on the plus strand (T>G on the coding strand, the complement: FLCN is on the minus strand). VCF-style: chr17-17223915-A-C. GRCh37 (hg19) VCF-style: chr17-17127229-A-C.
Other names: c.618+7T>G (NM_001353231.2, NM_001353230.2, NM_144606.7); c.672+7T>G (NM_001353229.2).
Identifiers: ClinVar variation 3678008 (VCV003678008.3).
Genomic context (GRCh38, chr17:17,223,915, plus strand): 5'-CTCAGCACAGAGCGGCTCATGCAGTGCAGGGCCCCCTGCCGCCCCGGCACCTCATCTCTG[A>C]ATTCACCTTGAGCGCCTTGCCCTGGAGCTCATCGATGATTCCCCGGACCTTCCCCAGCAG-3'

ClinVar aggregate classification (germline): Likely benign. Review status: criteria provided, multiple submitters, no conflicts (2 of 4 stars). 2 submissions from 2 submitters: Likely benign (2). Last evaluated 2024-10-23.

Conditions:
Birt-Hogg-Dube syndrome. Also called: Birt Hogg Dubé syndrome. Identifiers: Orphanet 122, MedGen C0346010, MONDO:0800444.
Birt-Hogg-Dube syndrome 1 (BHD1). Also called: FIBROFOLLICULOMAS WITH TRICHODISCOMAS AND ACROCHORDONS. Identifiers: Orphanet 122, MedGen CN375946, MONDO:0800445, OMIM 135150.

Submissions (2):

Myriad Genetics, Inc.
Classification: Likely benign for Birt-Hogg-Dube syndrome 1. Last evaluated: 2024-10-23. Review status: criteria provided, single submitter. Criteria: Myriad Autosomal Dominant, Autosomal Recessive and X-Linked Classification Criteria (2023). Collection method: clinical testing. Allele origin: unknown.
Comment: This variant is considered likely benign. This variant is intronic and is not expected to impact mRNA splicing.

Labcorp Genetics (formerly Invitae), Labcorp
Classification: Likely benign for Birt-Hogg-Dube syndrome. Last evaluated: 2024-10-19. Review status: criteria provided, single submitter. Criteria: Invitae Variant Classification Sherloc (09022015). Collection method: clinical testing. Allele origin: germline.